The following is an entry in ClinVar:

ClinVar aggregate classification (germline): Likely benign (1 of 4 stars; one submission).

Submission:

CeGaT Center for Human Genetics Tuebingen
Classification: Likely benign. Last evaluated: 2026-06-01. Review status: criteria provided, single submitter. Criteria: CeGaT Center For Human Genetics Tuebingen Variant Classification Criteria Version 2. Collection method: clinical testing. Allele origin: germline. Affected: yes. Observed: 1 variant allele.
Comment: TPSAB1: BP4, BS2

NM_003294.4(TPSAB1):c.152A>G (p.His51Arg)

Gene: TPSAB1 (tryptase alpha/beta 1; plus strand). Cytogenetic location: 16p13.3.
Variant type: single nucleotide variant.
Coding change: c.152A>G on transcript NM_003294.4 (MANE Select); coding-DNA position 152, A replaced by G.
Protein change: p.His51Arg; replaces histidine 51 with arginine.
Molecular consequence: missense variant.
Genome position (GRCh38, 1-based): chr16:1,241,243, A>G. VCF-style: chr16-1241243-A-G. GRCh37 (hg19) VCF-style: chr16-1291244-A-G.
Other names: short protein forms H51R.
Identifiers: ClinVar variation 4872075 (VCV004872075.2).